The following is an entry in ClinVar:

ClinVar aggregate classification (germline): Likely benign (1 of 4 stars; one submission).

gnomAD v4.1: 3,475 of 1,613,908 alleles (0.22%); highest among the groups gnomAD compares: Non-Finnish European, 0.21%; 5 homozygotes.

Submission:

CeGaT Center for Human Genetics Tuebingen
Classification: Likely benign. Last evaluated: 2026-01-01. Review status: criteria provided, single submitter. Criteria: CeGaT Center For Human Genetics Tuebingen Variant Classification Criteria Version 2. Collection method: clinical testing. Allele origin: germline. Affected: yes. Observed: 1 variant allele.
Comment: CHIA: BP4, BP7

NM_201653.4(CHIA):c.399C>T (p.Asp133=)

Gene: CHIA (chitinase acidic; plus strand). Cytogenetic location: 1p13.2.
Variant type: single nucleotide variant.
Coding change: c.399C>T on transcript NM_201653.4 (MANE Select); coding-DNA position 399, C replaced by T.
Protein change: p.Asp133=; no amino-acid change (aspartic acid 133 retained).
Molecular consequence: synonymous variant. On other transcripts: 5 prime UTR variant (1), intron variant (3).
Genome position (GRCh38, 1-based): chr1:111,315,354, C>T. VCF-style: chr1-111315354-C-T. GRCh37 (hg19) VCF-style: chr1-111857976-C-T.
Other names: c.75C>T, p.Asp25= (NM_001258001.2, NM_001258003.2, NM_021797.4); c.-224C>T (NM_001258004.2); c.-142-380C>T (NM_001258005.2); c.-4+758C>T (NM_001040623.3, NM_001258002.2).
Identifiers: ClinVar variation 4820805 (VCV004820805.4).
Genomic context (GRCh38, chr1:111,315,354, plus strand): 5'-TGAGAACCGCCAGACTTTCATCACCTCAGTCATCAAATTCCTGCGCCAGTATGAGTTTGA[C>T]GGGCTGGACTTTGACTGGGAGTACCCTGGCTCTCGTGGGAGCCCTCCTCAGGACAAGCAT-3'
Protein context (NP_970615.2, residues 123-143): VIKFLRQYEF[Asp133=]GLDFDWEYPG